The following is an entry in ClinVar:

NM_001287491.2(TET3):c.3916dup (p.Trp1306fs)

Gene: TET3 (tet methylcytosine dioxygenase 3; plus strand). Cytogenetic location: 2p13.1.
Variant type: Duplication.
Coding change: c.3916dup on transcript NM_001287491.2 (MANE Select); coding-DNA position 3916, one base duplicated (T; older notation c.3916dupT).
Protein change: p.Trp1306fs; shifts the reading frame from tryptophan 1306.
Molecular consequence: frameshift variant.
Genome position (GRCh38, 1-based): chr2:74,100,704, T duplicated. VCF-style (leftmost placement, unchanged base first): chr2-74100703-C-CT. GRCh37 (hg19) VCF-style: chr2-74327830-C-CT.
Other names: c.3637dup, p.Trp1213fs (NM_001366022.1); short protein forms W1213fs, W1306fs.
Identifiers: ClinVar variation 4845381 (VCV004845381.1).

ClinVar aggregate classification (germline): Likely pathogenic (1 of 4 stars; one submission).

Conditions:
Beck-Fahrner syndrome (BEFAHRS). Identifiers: Orphanet 684216, MedGen C5394097, MONDO:0032922, OMIM 618798.

Submission:

Institute of Human Genetics, University of Leipzig Medical Center
Classification: Likely pathogenic for Beck-Fahrner syndrome. Last evaluated: 2026-03-30. Review status: criteria provided, single submitter. Criteria: ACMG Guidelines, 2015. Collection method: clinical testing. Allele origin: paternal. Affected: yes.
Comment: Criteria applied: PM2,PVS1_STR